The following is an entry in ClinVar:

NM_052867.4(NALCN):c.25dup (p.Arg9fs)

Gene: NALCN (sodium leak channel, non-selective; minus strand). Cytogenetic location: 13q33.1.
Variant type: Duplication.
Coding change: c.25dup on transcript NM_052867.4 (MANE Select); coding-DNA position 25, one base duplicated (A; older notation c.25dupA).
Protein change: p.Arg9fs; shifts the reading frame from arginine 9.
Molecular consequence: frameshift variant.
Genome position (GRCh38, 1-based): chr13:101,399,102, T duplicated on the plus strand (A on the coding strand, the reverse complement: NALCN is on the minus strand). VCF-style (leftmost placement, unchanged base first): chr13-101399101-C-CT. GRCh37 (hg19) VCF-style: chr13-102051452-C-CT.
Other names: c.25dup, p.Arg9fs (NM_001350748.2, NM_001350749.2, NM_001350750.2 and 1 more transcripts); short protein forms R9fs.
Identifiers: ClinVar variation 4071618 (VCV004071618.1).
Genomic context (GRCh38, chr13:101,399,101, plus strand): 5'-TCAGCATTATCCGACAGAGACTCATCAGGACCAAAGTCAGTGACTGGCTGGGCTTCCACC[C>CT]TGGAACTCTGCTTCCTTTTGAGCATGCTGAGGTTAGCTTTGGTGAGCAAGCACAAAACCA-3'

ClinVar aggregate classification (germline): Pathogenic (1 of 4 stars; one submission).

Submission:

GeneDx
Classification: Pathogenic. Last evaluated: 2025-01-22. Review status: criteria provided, single submitter. Criteria: GeneDx Variant Classification Process June 2021. Collection method: clinical testing. Allele origin: germline. Affected: yes.
Comment: Frameshift variant predicted to result in protein truncation or nonsense mediated decay in a gene for which loss of function is a known mechanism of disease; Not observed at significant frequency in large population cohorts (gnomAD); Has not been previously published as pathogenic or benign to our knowledge